The following is an entry in ClinVar:

NM_004082.5(DCTN1):c.439A>G (p.Thr147Ala)

Gene: DCTN1 (dynactin subunit 1; minus strand). Cytogenetic location: 2p13.1.
Variant type: single nucleotide variant.
Coding change: c.439A>G on transcript NM_004082.5 (MANE Select); coding-DNA position 439, A replaced by G.
Protein change: p.Thr147Ala; replaces threonine 147 with alanine.
Molecular consequence: missense variant. On other transcripts: intron variant (2).
Genome position (GRCh38, 1-based): chr2:74,372,942, T>C on the plus strand (A>G on the coding strand, the complement: DCTN1 is on the minus strand). VCF-style: chr2-74372942-T-C. GRCh37 (hg19) VCF-style: chr2-74600069-T-C.
Other names: c.37A>G, p.Thr13Ala (NM_001135041.3, NM_023019.4); c.418A>G, p.Thr140Ala (NM_001190837.2); c.388A>G, p.Thr130Ala (NM_001378991.1); c.370A>G, p.Thr124Ala (NM_001378992.1); c.343-1214A>G (NM_001190836.2); c.394-1214A>G (NM_001135040.3); short protein forms T13A, T147A, T140A, T124A, T130A.
Identifiers: ClinVar variation 468276 (VCV000468276.11), dbSNP rs371437767, ClinGen allele CA1722419.

ClinVar aggregate classification (germline): Uncertain significance. Review status: criteria provided, multiple submitters, no conflicts (2 of 4 stars). 3 submissions from 3 submitters: Uncertain significance (3). Last evaluated 2024-11-21.

Conditions:
Inborn genetic diseases. Identifiers: MedGen C0950123, MeSH D030342.
Amyotrophic lateral sclerosis type 1 (ALS1). Also called: AMYOTROPHIC LATERAL SCLEROSIS 1, FAMILIAL. Identifiers: Orphanet 803, MedGen C1862939, MONDO:0007103, OMIM 105400.
Perry syndrome. Also called: PARKINSONISM WITH ALVEOLAR HYPOVENTILATION AND MENTAL DEPRESSION. Identifiers: Orphanet 178509, MedGen C1868594, MONDO:0008201, OMIM 168605.
Neuronopathy, distal hereditary motor, type 7B. Also called: Distal Hereditary Motor Neuronopathy Type 7B (dHMN7B); HMN VIIB; LOWER MOTOR NEURON DISEASE, DYNACTIN TYPE; NEURONOPATHY, DISTAL HEREDITARY MOTOR, AUTOSOMAL DOMINANT 14; NEURONOPATHY, DISTAL HEREDITARY MOTOR, HARDING TYPE VIIB; NEUROPATHY, DISTAL HEREDITARY MOTOR, HARDING TYPE VIIB. Identifiers: Orphanet 139589, MedGen C1843315, MONDO:0011879, OMIM 607641.

Allele frequency attached by ClinVar (database versions not stated): gnomAD exomes 0.00001; ExAC 0.00002; gnomAD 0.00003; TOPMed 0.00003; ESP Exome Variant Server 0.00008.
gnomAD v4.1: 19 of 1,613,838 alleles (0.0012%); highest among the groups gnomAD compares: South Asian, 0.0022%; 1 homozygote.

Submissions (3):

Labcorp Genetics (formerly Invitae), Labcorp
Classification: Uncertain significance for Amyotrophic lateral sclerosis type 1; Neuronopathy, distal hereditary motor, type 7B; Perry syndrome. Last evaluated: 2024-11-21. Review status: criteria provided, single submitter. Criteria: Invitae Variant Classification Sherloc (09022015). Collection method: clinical testing. Allele origin: germline.
Comment: This sequence change replaces threonine, which is neutral and polar, with alanine, which is neutral and non-polar, at codon 147 of the DCTN1 protein (p.Thr147Ala). The frequency data for this variant in the population databases is considered unreliable, as metrics indicate poor data quality at this position in the gnomAD database. This variant has not been reported in the literature in individuals affected with DCTN1-related conditions. ClinVar contains an entry for this variant (Variation ID: 468276). Invitae Evidence Modeling of protein sequence and biophysical properties (such as structural, functional, and spatial information, amino acid conservation, physicochemical variation, residue mobility, and thermodynamic stability) indicates that this missense variant is not expected to disrupt DCTN1 protein function with a negative predictive value of 95%. In summary, the available evidence is currently insufficient to determine the role of this variant in disease. Therefore, it has been classified as a Variant of Uncertain Significance.

Ambry Genetics
Classification: Uncertain significance for Inborn genetic diseases. Last evaluated: 2023-05-17. Review status: criteria provided, single submitter. Criteria: Ambry Variant Classification Scheme 2023. Collection method: clinical testing. Allele origin: germline.

GeneDx
Classification: Uncertain significance. Last evaluated: 2021-03-16. Review status: criteria provided, single submitter. Criteria: GeneDx Variant Classification Process June 2021. Collection method: clinical testing. Allele origin: germline. Affected: yes.
Comment: Not observed at a significant frequency in large population cohorts (Lek et al., 2016); In silico analysis supports that this missense variant does not alter protein structure/function; Has not been previously published as pathogenic or benign to our knowledge

Literature cited by the submitters: PubMed 23985322 (cited by Ambry Genetics).